The following is an entry in ClinVar:

ClinVar aggregate classification (germline): Likely benign. Review status: criteria provided, multiple submitters, no conflicts (2 of 4 stars). 5 submissions from 5 submitters: Likely benign (4). 1 of the submissions does not count toward it. Last evaluated 2026-01-23.

Conditions:
DBH-related disorder. Also called: DBH-related condition.
Orthostatic hypotension 1 (ORTHYP1). Also called: Orthostatic hypotension 1, due to DBH deficiency; NORADRENALINE DEFICIENCY; NOREPINEPHRINE DEFICIENCY; Dopamine beta-hydroxylase deficiency. Identifiers: Orphanet 230, MedGen C4746777, MONDO:0009123, OMIM 223360.

Allele frequency attached by ClinVar (database versions not stated): 1000 Genomes Project 30x 0.00031; 1000 Genomes Project 0.00040; TOPMed 0.00120; ESP Exome Variant Server 0.00131; gnomAD 0.00236.
gnomAD v4.1: 2,604 of 1,614,206 alleles (0.16%); highest among the groups gnomAD compares: Non-Finnish European, 0.18%; 5 homozygotes.

Submissions (5):

Labcorp Genetics (formerly Invitae), Labcorp
Classification: Likely benign for Orthostatic hypotension 1. Last evaluated: 2026-01-23. Review status: criteria provided, single submitter. Criteria: Invitae Variant Classification Sherloc (09022015). Collection method: clinical testing. Allele origin: germline.

Blueprint Genetics
Classification: Likely benign. Last evaluated: 2024-11-06. Review status: criteria provided, single submitter. Criteria: ACMG Guidelines, 2015. Collection method: clinical testing. Allele origin: germline.

CeGaT Center for Human Genetics Tuebingen
Classification: Likely benign. Last evaluated: 2024-05-01. Review status: criteria provided, single submitter. Criteria: CeGaT Center For Human Genetics Tuebingen Variant Classification Criteria Version 2. Collection method: clinical testing. Allele origin: germline. Affected: yes. Observed: 1 variant allele.
Comment: DBH: PM5, BS2

Illumina Laboratory Services, Illumina
Classification: Likely benign for Orthostatic hypotension 1. Last evaluated: 2017-04-27. Review status: criteria provided, single submitter. Criteria: ICSL Variant Classification Criteria 13 December 2019. Collection method: clinical testing. Allele origin: germline.
Comment: This variant was observed as part of a predisposition screen in an ostensibly healthy population. A literature search was performed for the gene, cDNA change, and amino acid change (where applicable). No publications were found based on this search. Allele frequency data from public databases allowed determination this variant is unlikely to cause disease. Therefore, this variant is classified as likely benign.

PreventionGenetics, part of Exact Sciences
Classification: Likely benign for DBH-related condition. Last evaluated: 2019-06-13. Review status: no assertion criteria provided. Collection method: clinical testing. Allele origin: germline. Not counted in ClinVar's aggregate classification.
Comment: This variant is classified as likely benign based on ACMG/AMP sequence variant interpretation guidelines (Richards et al. 2015 PMID: 25741868, with internal and published modifications).

NM_000787.4(DBH):c.1085C>T (p.Ala362Val)

Gene: DBH (dopamine beta-hydroxylase; plus strand). Cytogenetic location: 9q34.2.
Variant type: single nucleotide variant.
Coding change: c.1085C>T on transcript NM_000787.4 (MANE Select); coding-DNA position 1085, C replaced by T.
Protein change: p.Ala362Val; replaces alanine 362 with valine.
Molecular consequence: missense variant.
Genome position (GRCh38, 1-based): chr9:133,647,906, C>T. VCF-style: chr9-133647906-C-T. GRCh37 (hg19) VCF-style: chr9-136513028-C-T.
Other names: short protein forms A362V.
Identifiers: ClinVar variation 770957 (VCV000770957.35), dbSNP rs75215331, ClinGen allele CA5313310.